The following is an entry in ClinVar:

NM_000540.3(RYR1):c.4389C>T (p.Phe1463=)

Gene: RYR1 (ryanodine receptor 1; plus strand). Cytogenetic location: 19q13.2.
Variant type: single nucleotide variant.
Coding change: c.4389C>T on transcript NM_000540.3 (MANE Select); coding-DNA position 4389, C replaced by T.
Protein change: p.Phe1463=; no amino-acid change (phenylalanine 1463 retained).
Molecular consequence: synonymous variant.
Genome position (GRCh38, 1-based): chr19:38,477,805, C>T. VCF-style: chr19-38477805-C-T. GRCh37 (hg19) VCF-style: chr19-38968445-C-T.
Other names: c.4389C>T, p.Phe1463= (NM_001042723.2); c.4389C>T (NM_000540.2).
Identifiers: ClinVar variation 1535391 (VCV001535391.9), dbSNP rs764530417, ClinGen allele CA066013.

ClinVar aggregate classification (germline): Likely benign. Review status: criteria provided, single submitter (1 of 4 stars). 2 submissions from 2 submitters: Likely benign (1). 1 of the submissions does not count toward it. Last evaluated 2024-01-31.

Conditions:
RYR1-related disorder. Also called: RYR1-related condition; RYR1-related disorders. Identifiers: MedGen CN239331.

Allele frequency attached by ClinVar (database versions not stated): gnomAD exomes below 0.00001 and 0.00001; ExAC 0.00001.
gnomAD v4.1: 10 of 1,613,844 alleles (0.00062%); highest among the groups gnomAD compares: South Asian, 0.0055%; no homozygotes.

Submissions (2):

Labcorp Genetics (formerly Invitae), Labcorp
Classification: Likely benign for RYR1-related disorder. Last evaluated: 2024-01-31. Review status: criteria provided, single submitter. Criteria: Invitae Variant Classification Sherloc (09022015). Collection method: clinical testing. Allele origin: germline.

PreventionGenetics, part of Exact Sciences
Classification: Likely benign for RYR1-related condition. Last evaluated: 2020-08-20. Review status: no assertion criteria provided. Collection method: clinical testing. Allele origin: germline. Not counted in ClinVar's aggregate classification.
Comment: This variant is classified as likely benign based on ACMG/AMP sequence variant interpretation guidelines (Richards et al. 2015 PMID: 25741868, with internal and published modifications).